The following is an entry in ClinVar:

NM_007118.4(TRIO):c.6083+4C>T

Gene: TRIO (trio Rho guanine nucleotide exchange factor; plus strand). Cytogenetic location: 5p15.2.
Variant type: single nucleotide variant.
Coding change: c.6083+4C>T on transcript NM_007118.4 (MANE Select); 4 bases into the intron after coding-DNA position 6083, C replaced by T.
Molecular consequence: intron variant.
Genome position (GRCh38, 1-based): chr5:14,474,101, C>T. VCF-style: chr5-14474101-C-T. GRCh37 (hg19) VCF-style: chr5-14474210-C-T.
Identifiers: ClinVar variation 1032522 (VCV001032522.1), dbSNP rs201990726, ClinGen allele CA3206946.

ClinVar aggregate classification (germline): Uncertain significance (1 of 4 stars; one submission).

Conditions:
Intellectual developmental disorder, autosomal dominant 44, with microcephaly. Also called: Micrognathia-recurrent infections-behavioral abnormalities-mild intellectual disability syndrome; TRIO-Related Intellectual Disability. Identifiers: Orphanet 476126, MedGen C4310740, MONDO:0014892, OMIM 617061.

Allele frequency attached by ClinVar (database versions not stated): gnomAD exomes 0.00004 and 0.00005; ExAC 0.00005; gnomAD 0.00003 and 0.00005; TOPMed 0.00003.
gnomAD v4.1: 73 of 1,610,644 alleles (0.0045%); highest among the groups gnomAD compares: East Asian, 0.076%; no homozygotes.

Submission:

Baylor Genetics
Classification: Uncertain significance for Intellectual developmental disorder, autosomal dominant 44, with microcephaly. Last evaluated: 2018-02-12. Review status: criteria provided, single submitter. Criteria: ACMG Guidelines, 2015. Collection method: clinical testing. Allele origin: paternal. Affected: yes.
Comment: This variant was determined to be of uncertain significance according to ACMG Guidelines, 2015 [PMID:25741868].